The following is an entry in ClinVar:

ClinVar aggregate classification (germline): Likely benign. Review status: criteria provided, single submitter (1 of 4 stars). 2 submissions from 2 submitters: Likely benign (1). 1 of the submissions does not count toward it. Last evaluated 2024-04-30.

Conditions:
Immunodeficiency 14 (IMD14A). Also called: ACTIVATED PI3K-DELTA SYNDROME 1; p110-DELTA-ACTIVATING MUTATION CAUSING SENESCENT T CELLS, LYMPHADENOPATHY, AND IMMUNODEFICIENCY; Activated PI3K Delta Syndrome Type 1 (APDS1); IMMUNODEFICIENCY 14A WITH LYMPHOPROLIFERATION, AUTOSOMAL DOMINANT. Identifiers: Orphanet 397596, Orphanet 693661, MedGen C5907821, MONDO:0014222, OMIM 615513.
PIK3CD-related disorder. Also called: PIK3CD-related condition.

Allele frequency attached by ClinVar (database versions not stated): gnomAD exomes below 0.00001.
gnomAD v4.1: 1 of 1,614,108 alleles (0.000062%); highest among the groups gnomAD compares: East Asian, 0.0022%; no homozygotes.

Submissions (2):

Labcorp Genetics (formerly Invitae), Labcorp
Classification: Likely benign for Activated PI3K-delta syndrome. Last evaluated: 2024-04-30. Review status: criteria provided, single submitter. Criteria: Invitae Variant Classification Sherloc (09022015). Collection method: clinical testing. Allele origin: germline.

PreventionGenetics, part of Exact Sciences
Classification: Likely benign for PIK3CD-related condition. Last evaluated: 2023-08-01. Review status: no assertion criteria provided. Collection method: clinical testing. Allele origin: germline. Not counted in ClinVar's aggregate classification.
Comment: This variant is classified as likely benign based on ACMG/AMP sequence variant interpretation guidelines (Richards et al. 2015 PMID: 25741868, with internal and published modifications).

NM_005026.5(PIK3CD):c.3096C>T (p.Asn1032=)

Gene: PIK3CD (phosphatidylinositol-4,5-bisphosphate 3-kinase catalytic subunit delta; plus strand). Cytogenetic location: 1p36.22.
Variant type: single nucleotide variant.
Coding change: c.3096C>T on transcript NM_005026.5 (MANE Select); coding-DNA position 3096, C replaced by T.
Protein change: p.Asn1032=; no amino-acid change (asparagine 1032 retained).
Molecular consequence: synonymous variant.
Genome position (GRCh38, 1-based): chr1:9,727,007, C>T. VCF-style: chr1-9727007-C-T. GRCh37 (hg19) VCF-style: chr1-9787065-C-T.
Other names: c.3093C>T, p.Asn1031= (NM_001350234.2); c.3009C>T, p.Asn1003= (NM_001350235.1).
Identifiers: ClinVar variation 2854692 (VCV002854692.5), dbSNP rs1411873568, ClinGen allele CA415876087.